The following is an entry in ClinVar:

ClinVar aggregate classification (germline): Uncertain significance (1 of 4 stars; one submission).

gnomAD v4.1: 2 of 1,614,002 alleles (0.00012%); highest among the groups gnomAD compares: Admixed American, 0.0017%; no homozygotes.

Submission:

Labcorp Genetics (formerly Invitae), Labcorp
Classification: Uncertain significance. Last evaluated: 2022-04-13. Review status: criteria provided, single submitter. Criteria: Invitae Variant Classification Sherloc (09022015). Collection method: clinical testing. Allele origin: germline.
Comment: This variant is present in population databases (no rsID available, gnomAD 0.003%). This sequence change replaces isoleucine, which is neutral and non-polar, with leucine, which is neutral and non-polar, at codon 635 of the USH2A protein (p.Ile635Leu). This variant has not been reported in the literature in individuals affected with USH2A-related conditions. In summary, the available evidence is currently insufficient to determine the role of this variant in disease. Therefore, it has been classified as a Variant of Uncertain Significance. Algorithms developed to predict the effect of missense changes on protein structure and function output the following: SIFT: "Tolerated"; PolyPhen-2: "Benign"; Align-GVGD: "Class C0". The leucine amino acid residue is found in multiple mammalian species, which suggests that this missense change does not adversely affect protein function.

NM_206933.4(USH2A):c.1903A>C (p.Ile635Leu)

Gene: USH2A (usherin; minus strand). Cytogenetic location: 1q41.
Variant type: single nucleotide variant.
Coding change: c.1903A>C on transcript NM_206933.4 (MANE Select); coding-DNA position 1903, A replaced by C.
Protein change: p.Ile635Leu; replaces isoleucine 635 with leucine.
Molecular consequence: missense variant.
Genome position (GRCh38, 1-based): chr1:216,289,348, T>G on the plus strand (A>C on the coding strand, the complement: USH2A is on the minus strand). VCF-style: chr1-216289348-T-G. GRCh37 (hg19) VCF-style: chr1-216462690-T-G.
Other names: c.1903A>C, p.Ile635Leu (NM_007123.6); short protein forms I635L.
Identifiers: ClinVar variation 1915115 (VCV001915115.5), dbSNP rs201808654, ClinGen allele CA344902793.